The following is an entry in ClinVar:

ClinVar aggregate classification (germline): Uncertain significance (1 of 4 stars; one submission).

Submission:

Labcorp Genetics (formerly Invitae), Labcorp
Classification: Uncertain significance. Last evaluated: 2025-04-17. Review status: criteria provided, single submitter. Criteria: Invitae Variant Classification Sherloc (09022015). Collection method: clinical testing. Allele origin: germline.
Comment: This sequence change replaces methionine, which is neutral and non-polar, with valine, which is neutral and non-polar, at codon 3815 of the KMT2A protein (p.Met3815Val). This variant is not present in population databases (gnomAD no frequency). This variant has not been reported in the literature in individuals affected with KMT2A-related conditions. Invitae Evidence Modeling of protein sequence and biophysical properties (such as structural, functional, and spatial information, amino acid conservation, physicochemical variation, residue mobility, and thermodynamic stability) indicates that this missense variant is not expected to disrupt KMT2A protein function with a negative predictive value of 95%. In summary, the available evidence is currently insufficient to determine the role of this variant in disease. Therefore, it has been classified as a Variant of Uncertain Significance.

NM_001197104.2(KMT2A):c.11443A>G (p.Met3815Val)

Genes: KMT2A (lysine methyltransferase 2A; plus strand), TTC36-AS1 (TTC36 and KMT2A antisense RNA 1; minus strand). Cytogenetic location: 11q23.3.
Variant type: single nucleotide variant.
Coding change: c.11443A>G on transcript NM_001197104.2 (MANE Select); coding-DNA position 11443, A replaced by G.
Protein change: p.Met3815Val; replaces methionine 3815 with valine.
Molecular consequence: missense variant.
Genome position (GRCh38, 1-based): chr11:118,520,815, A>G. VCF-style: chr11-118520815-A-G. GRCh37 (hg19) VCF-style: chr11-118391530-A-G.
Other names: c.11533A>G, p.Met3845Val (NM_001412597.1); c.11434A>G, p.Met3812Val (NM_005933.4); short protein forms M3812V, M3815V, M3845V.
Identifiers: ClinVar variation 4800592 (VCV004800592.1).